The following is an entry in ClinVar:

ClinVar aggregate classification (germline): Uncertain significance (1 of 4 stars; one submission).

Conditions:
Parenti-mignot neurodevelopmental syndrome. Identifiers: MedGen C5676984, MONDO:0859249, OMIM 619873.

Allele frequency attached by ClinVar (database versions not stated): gnomAD 0.00002; TOPMed 0.00002.
gnomAD v4.1: 89 of 1,613,998 alleles (0.0055%); highest among the groups gnomAD compares: Non-Finnish European, 0.0072%; no homozygotes.

Submission:

New York Genome Center
Classification: Uncertain significance for Parenti-mignot neurodevelopmental syndrome. Last evaluated: 2021-09-26. Review status: criteria provided, single submitter. Criteria: NYGC Assertion Criteria 2020. Collection method: clinical testing. Allele origin: germline. Observed: 1 heterozygote. Study: CSER-NYCKidSeq.
Comment: The heterozygous c.3779C>T (p. Ala1260Val) missense variant identified in the CHD5 gene has not been reported in affected individuals in the literature. The variant has 0.00001971 allele frequency in the gnomAD(v3) database (3 out of 152174 heterozygous alleles, no homozygotes) suggesting it is not a common benign variant in the populations represented in that database. This variant affects a moderately conserved alanine residue [Ala1260]. In silico tools provide conflicting predictions about potential pathogenicity of this variant (CADD score = 23.9, REVEL score = 0.056). Based on the available evidence, the heterozygousc.3779C>T (p. Ala1260Val) missense variant identified in the CHD5 gene is reported as a Variant of Uncertain Significance.

NM_015557.3(CHD5):c.3779C>T (p.Ala1260Val)

Gene: CHD5 (chromodomain helicase DNA binding protein 5; minus strand). Cytogenetic location: 1p36.31.
Variant type: single nucleotide variant.
Coding change: c.3779C>T on transcript NM_015557.3 (MANE Select); coding-DNA position 3779, C replaced by T.
Protein change: p.Ala1260Val; replaces alanine 1260 with valine.
Molecular consequence: missense variant.
Genome position (GRCh38, 1-based): chr1:6,128,170, G>A on the plus strand (C>T on the coding strand, the complement: CHD5 is on the minus strand). VCF-style: chr1-6128170-G-A. GRCh37 (hg19) VCF-style: chr1-6188230-G-A.
Other names: short protein forms A1260V.
Identifiers: ClinVar variation 1701636 (VCV001701636.1), dbSNP rs759818397, ClinGen allele CA556370.
Genomic context (GRCh38, chr1:6,128,170, plus strand): 5'-TTCTGTAGCTCCGTGTCATCTGTAGCGTCCTGGTTCCGGTCCAGCAGCTTGGAGATGGCC[G>A]CATCGTCATAGTGGATCACACTGCTGTCCTCCACGTCCTTGTTGTCACCTGGGGAGCAGG-3'
Protein context (NP_056372.1, residues 1250-1270): EDSSVIHYDD[Ala1260Val]AISKLLDRNQ